The following is an entry in ClinVar:

NM_014297.5(ETHE1):c.299C>T (p.Ser100Phe)

Gene: ETHE1 (ETHE1 persulfide dioxygenase; minus strand). Cytogenetic location: 19q13.31.
Variant type: single nucleotide variant.
Coding change: c.299C>T on transcript NM_014297.5 (MANE Select); coding-DNA position 299, C replaced by T.
Protein change: p.Ser100Phe; replaces serine 100 with phenylalanine.
Molecular consequence: missense variant. On other transcripts: intron variant (2).
Genome position (GRCh38, 1-based): chr19:43,526,277, G>A on the plus strand (C>T on the coding strand, the complement: ETHE1 is on the minus strand). VCF-style: chr19-43526277-G-A. GRCh37 (hg19) VCF-style: chr19-44030429-G-A.
Other names: c.266C>T, p.Ser89Phe (NM_001320867.2); c.81+820C>T (NM_001320869.2); c.6+238C>T (NM_001320868.2); short protein forms S100F, S89F.
Identifiers: ClinVar variation 1037396 (VCV001037396.11), dbSNP rs1972243964, ClinGen allele CA406179469.

ClinVar aggregate classification (germline): Uncertain significance. Review status: criteria provided, single submitter (1 of 4 stars). 2 submissions from 2 submitters: Uncertain significance (1). 1 of the submissions does not count toward it. Last evaluated 2022-08-31.

Conditions:
Ethylmalonic encephalopathy (EE). Also called: EPEMA syndrome; Encephalopathy, petechiae, and ethylmalonic aciduria; Syndrome of encephalopathy, petechiae, and ethylmalonic aciduria. Identifiers: Orphanet 51188, MedGen C1865349, MONDO:0011229, OMIM 602473. Disease mechanism: loss of function.

Submissions (2):

Labcorp Genetics (formerly Invitae), Labcorp
Classification: Uncertain significance for Ethylmalonic encephalopathy. Last evaluated: 2022-08-31. Review status: criteria provided, single submitter. Criteria: Invitae Variant Classification Sherloc (09022015). Collection method: clinical testing. Allele origin: germline.
Comment: In summary, the available evidence is currently insufficient to determine the role of this variant in disease. Therefore, it has been classified as a Variant of Uncertain Significance. Advanced modeling of protein sequence and biophysical properties (such as structural, functional, and spatial information, amino acid conservation, physicochemical variation, residue mobility, and thermodynamic stability) performed at Invitae indicates that this missense variant is expected to disrupt ETHE1 protein function. ClinVar contains an entry for this variant (Variation ID: 1037396). This variant has not been reported in the literature in individuals affected with ETHE1-related conditions. This variant is not present in population databases (gnomAD no frequency). This sequence change replaces serine, which is neutral and polar, with phenylalanine, which is neutral and non-polar, at codon 100 of the ETHE1 protein (p.Ser100Phe).

Natera, Inc.
Classification: Uncertain significance for Ethylmalonic encephalopathy. Last evaluated: 2020-02-28. Review status: no assertion criteria provided. Collection method: clinical testing. Allele origin: germline. Not counted in ClinVar's aggregate classification.